The following is an entry in ClinVar:

NM_001614.5(ACTG1):c.363+3G>A

Gene: ACTG1 (actin gamma 1; minus strand). Cytogenetic location: 17q25.3.
Variant type: single nucleotide variant.
Coding change: c.363+3G>A on transcript NM_001614.5 (MANE Select); 3 bases into the intron after coding-DNA position 363, G replaced by A.
Molecular consequence: intron variant.
Genome position (GRCh38, 1-based): chr17:81,511,900, C>T on the plus strand (G>A on the coding strand, the complement: ACTG1 is on the minus strand). VCF-style: chr17-81511900-C-T. GRCh37 (hg19) VCF-style: chr17-79478926-C-T.
Other names: c.363+3G>A (NM_001199954.3, NM_001614.3).
Identifiers: ClinVar variation 4937579 (VCV004937579.2).

ClinVar aggregate classification (germline): Likely benign. Review status: criteria provided, multiple submitters, no conflicts (2 of 4 stars). 2 submissions from 2 submitters: Likely benign (2). Last evaluated 2025-02-18.

Conditions:
ACTG1-related disorder. Also called: ACTG1-related condition; ACTG1-related disorders.

gnomAD v4.1: 166 of 1,614,126 alleles (0.01%); highest among the groups gnomAD compares: East Asian, 0.18%; no homozygotes.

Submissions (2):

PreventionGenetics, part of Exact Sciences
Classification: Likely benign for ACTG1-related condition. Last evaluated: 2025-02-18. Review status: criteria provided, single submitter. Criteria: ACMG Guidelines, 2015. Collection method: clinical testing. Allele origin: germline.
Comment: This variant is classified as likely benign based on ACMG/AMP sequence variant interpretation guidelines (Richards et al. 2015 PMID: 25741868, with internal and published modifications).

Blueprint Genetics
Classification: Likely benign. Last evaluated: 2023-05-02. Review status: criteria provided, single submitter. Criteria: ACMG Guidelines, 2015. Collection method: clinical testing. Allele origin: germline.